The following is an entry in ClinVar:

NM_182977.3(NNT):c.2023C>T (p.Gln675Ter)

Gene: NNT (nicotinamide nucleotide transhydrogenase; plus strand). Cytogenetic location: 5p12.
Variant type: single nucleotide variant.
Coding change: c.2023C>T on transcript NM_182977.3 (MANE Select); coding-DNA position 2023, C replaced by T.
Protein change: p.Gln675Ter; replaces glutamine 675 with a stop codon.
Molecular consequence: nonsense.
Genome position (GRCh38, 1-based): chr5:43,653,177, C>T. VCF-style: chr5-43653177-C-T. GRCh37 (hg19) VCF-style: chr5-43653279-C-T.
Other names: c.1630C>T, p.Gln544Ter (NM_001331026.2); c.2023C>T, p.Gln675Ter (NM_012343.4); short protein forms Q544*, Q675*.
Identifiers: ClinVar variation 4699098 (VCV004699098.1).

ClinVar aggregate classification (germline): Pathogenic (1 of 4 stars; one submission).

Submission:

Labcorp Genetics (formerly Invitae), Labcorp
Classification: Pathogenic. Last evaluated: 2025-10-18. Review status: criteria provided, single submitter. Criteria: Invitae Variant Classification Sherloc (09022015). Collection method: clinical testing. Allele origin: germline.
Comment: This sequence change creates a premature translational stop signal (p.Gln675*) in the NNT gene. It is expected to result in an absent or disrupted protein product. Loss-of-function variants in NNT are known to be pathogenic (PMID: 22634753, 25459914). This variant is not present in population databases (gnomAD no frequency). This variant has not been reported in the literature in individuals affected with NNT-related conditions. Algorithms developed to predict the effect of sequence changes on RNA splicing suggest that this variant may disrupt the consensus splice site. For these reasons, this variant has been classified as Pathogenic.

Literature cited by the submitters: PubMed 22634753; PubMed 25459914.